The following is an entry in ClinVar:

NM_058216.3(RAD51C):c.317C>T (p.Ala106Val)

Gene: RAD51C (RAD51 paralog C; plus strand). Cytogenetic location: 17q22.
Variant type: single nucleotide variant.
Coding change: c.317C>T on transcript NM_058216.3 (MANE Select); coding-DNA position 317, C replaced by T.
Protein change: p.Ala106Val; replaces alanine 106 with valine.
Molecular consequence: missense variant. On other transcripts: non-coding transcript variant (2).
Genome position (GRCh38, 1-based): chr17:58,695,102, C>T. VCF-style: chr17-58695102-C-T. GRCh37 (hg19) VCF-style: chr17-56772463-C-T.
Other names: c.317C>T, p.Ala106Val (NM_002876.4); short protein forms A106V.
Identifiers: ClinVar variation 409852 (VCV000409852.24), dbSNP rs1060502594, ClinGen allele CA16615740.

ClinVar aggregate classification (germline): Conflicting classifications of pathogenicity. Review status: criteria provided, conflicting classifications (1 of 4 stars). 6 submissions from 6 submitters: Uncertain significance (4); Benign (1). 1 of the submissions does not count toward it. Last evaluated 2025-10-24.

Conditions:
Breast-ovarian cancer, familial, susceptibility to, 3. Also called: RAD51C-Related Breast/Ovarian Cancer. Identifiers: Orphanet 145, MedGen C3150659, MONDO:0013253, OMIM 613399.
Fanconi anemia complementation group O. Also called: RAD51C-Related Fanconi Anemia. Identifiers: Orphanet 84, MedGen C3150653, MONDO:0013248, OMIM 613390.
Hereditary cancer-predisposing syndrome. Also called: Hereditary neoplastic syndrome; Neoplastic Syndromes, Hereditary; Tumor predisposition; Hereditary Cancer Syndrome. Identifiers: Orphanet 140162, MedGen C0027672, MeSH D009386, MONDO:0015356.

Submissions (6):

Ambry Genetics
Classification: Benign for Hereditary cancer-predisposing syndrome. Last evaluated: 2025-10-24. Review status: criteria provided, single submitter. Criteria: Ambry Variant Classification Scheme 2023. Collection method: clinical testing. Allele origin: germline.

Labcorp Genetics (formerly Invitae), Labcorp
Classification: Uncertain significance for Fanconi anemia complementation group O. Last evaluated: 2025-07-30. Review status: criteria provided, single submitter. Criteria: Invitae Variant Classification Sherloc (09022015). Collection method: clinical testing. Allele origin: germline.
Comment: This sequence change replaces alanine, which is neutral and non-polar, with valine, which is neutral and non-polar, at codon 106 of the RAD51C protein (p.Ala106Val). This variant is not present in population databases (gnomAD no frequency). This variant has not been reported in the literature in individuals affected with RAD51C-related conditions. ClinVar contains an entry for this variant (Variation ID: 409852). Invitae Evidence Modeling of protein sequence and biophysical properties (such as structural, functional, and spatial information, amino acid conservation, physicochemical variation, residue mobility, and thermodynamic stability) indicates that this missense variant is not expected to disrupt RAD51C protein function with a negative predictive value of 80%. In summary, the available evidence is currently insufficient to determine the role of this variant in disease. Therefore, it has been classified as a Variant of Uncertain Significance.

Color Diagnostics, LLC DBA Color Health
Classification: Uncertain significance for Hereditary cancer-predisposing syndrome. Last evaluated: 2024-03-06. Review status: criteria provided, single submitter. Criteria: ACMG Guidelines, 2015. Collection method: clinical testing. Allele origin: germline.
Comment: This missense variant replaces alanine with valine at codon 106 of the RAD51C protein. Computational prediction suggests that this variant may not impact protein structure and function (internally defined REVEL score threshold <= 0.5, PMID: 27666373). To our knowledge, functional studies have not been reported for this variant. This variant has not been reported in individuals affected with hereditary cancer in the literature. This variant has not been identified in the general population by the Genome Aggregation Database (gnomAD). The available evidence is insufficient to determine the role of this variant in disease conclusively. Therefore, this variant is classified as a Variant of Uncertain Significance.

Myriad Genetics, Inc.
Classification: Uncertain significance for Breast-ovarian cancer, familial, susceptibility to, 3. Last evaluated: 2023-04-05. Review status: criteria provided, single submitter. Criteria: Myriad Autosomal Dominant, Autosomal Recessive and X-Linked Classification Criteria (2023). Collection method: clinical testing. Allele origin: unknown.
Comment: This variant is classified as a variant of uncertain significance as there is insufficient evidence to determine its impact on protein function and/or cancer risk.

GeneDx
Classification: Uncertain significance. Last evaluated: 2019-04-16. Review status: criteria provided, single submitter. Criteria: GeneDx Variant Classification Process June 2021. Collection method: clinical testing. Allele origin: germline. Affected: yes.
Comment: Not observed in large population cohorts (Lek et al., 2016); Has not been previously published as pathogenic or benign to our knowledge

Counsyl
Classification: Uncertain significance for Fanconi anemia complementation group O; Breast-ovarian cancer, familial, susceptibility to, 3. Last evaluated: 2017-08-08. Review status: no assertion criteria provided. Collection method: clinical testing. Allele origin: unknown. Not counted in ClinVar's aggregate classification.